The following is an entry in ClinVar:

NM_014994.3(MAPKBP1):c.114+10G>T

Gene: MAPKBP1 (mitogen-activated protein kinase binding protein 1; plus strand). Cytogenetic location: 15q15.1.
Variant type: single nucleotide variant.
Coding change: c.114+10G>T on transcript NM_014994.3 (MANE Select); 10 bases into the intron after coding-DNA position 114, G replaced by T.
Molecular consequence: intron variant.
Genome position (GRCh38, 1-based): chr15:41,775,399, G>T. VCF-style: chr15-41775399-G-T. GRCh37 (hg19) VCF-style: chr15-42067597-G-T.
Other names: c.114+10G>T (NM_001128608.2, NM_001265611.2).
Identifiers: ClinVar variation 3357573 (VCV003357573.1).

ClinVar aggregate classification (germline): Likely benign (0 of 4 stars; one submission).

Conditions:
MAPKBP1-related disorder. Also called: MAPKBP1-related condition.

gnomAD v4.1: 27 of 1,600,848 alleles (0.0017%); highest among the groups gnomAD compares: South Asian, 0.021%; no homozygotes.

Submission:

PreventionGenetics, part of Exact Sciences
Classification: Likely benign for MAPKBP1-related condition. Last evaluated: 2024-03-06. Review status: no assertion criteria provided. Collection method: clinical testing. Allele origin: germline.
Comment: This variant is classified as likely benign based on ACMG/AMP sequence variant interpretation guidelines (Richards et al. 2015 PMID: 25741868, with internal and published modifications).